The following is an entry in ClinVar:

NM_007374.3(SIX6):c.348G>A (p.Arg116=)

Genes: C14orf39 (chromosome 14 open reading frame 39; minus strand), SIX6 (SIX homeobox 6; plus strand). Cytogenetic location: 14q23.1.
Variant type: single nucleotide variant.
Coding change: c.348G>A on transcript NM_007374.3 (MANE Select); coding-DNA position 348, G replaced by A.
Protein change: p.Arg116=; no amino-acid change (arginine 116 retained).
Molecular consequence: synonymous variant.
Genome position (GRCh38, 1-based): chr14:60,509,746, G>A. VCF-style: chr14-60509746-G-A. GRCh37 (hg19) VCF-style: chr14-60976464-G-A.
Identifiers: ClinVar variation 4981192 (VCV004981192.1).

ClinVar aggregate classification (germline): Likely benign (1 of 4 stars; one submission).

Conditions:
SIX6-related disorder. Also called: SIX6-related condition.

gnomAD v4.1: 19 of 1,613,412 alleles (0.0012%); highest among the groups gnomAD compares: South Asian, 0.02%; no homozygotes.

Submission:

PreventionGenetics, part of Exact Sciences
Classification: Likely benign for SIX6-related condition. Last evaluated: 2026-03-10. Review status: criteria provided, single submitter. Criteria: ACMG Guidelines, 2015. Collection method: clinical testing. Allele origin: germline.
Comment: This variant is classified as likely benign based on ACMG/AMP sequence variant interpretation guidelines (Richards et al. 2015 PMID: 25741868, with internal and published modifications).